The following is an entry in ClinVar:

NM_001244008.2(KIF1A):c.2117-20C>T

Gene: KIF1A (kinesin family member 1A; minus strand). Cytogenetic location: 2q37.3.
Variant type: single nucleotide variant.
Coding change: c.2117-20C>T on transcript NM_001244008.2 (MANE Select); 20 bases into the intron before coding-DNA position 2117, C replaced by T.
Molecular consequence: intron variant.
Genome position (GRCh38, 1-based): chr2:240,761,397, G>A on the plus strand (C>T on the coding strand, the complement: KIF1A is on the minus strand). VCF-style: chr2-240761397-G-A. GRCh37 (hg19) VCF-style: chr2-241700814-G-A.
Other names: c.2090-20C>T (NM_001379653.1, NM_001379650.1, NM_001379645.1 and 10 more transcripts); c.2192-20C>T (NM_001379635.1, NM_001330290.2, NM_001379646.1 and 2 more transcripts); c.2165-20C>T (NM_001379637.1, NM_001379648.1); c.2117-20C>T (NM_001320705.2, NM_001379638.1, NM_001330289.2).
Identifiers: ClinVar variation 516337 (VCV000516337.58), dbSNP rs200852469, ClinGen allele CA2208184.
Genomic context (GRCh38, chr2:240,761,397, plus strand): 5'-GGCCCAGAGCGCCAGCTCACACTCCCGCTCTGTCCACTGGACTGTGGGGAGAGGTCACAC[G>A]TGGTCATCGCAGGAAGGCCATGACCCTGCCCACCATGCCCCGCCCTCTGGAAGGTCAGGC-3'

ClinVar aggregate classification (germline): Likely benign. Review status: criteria provided, multiple submitters, no conflicts (2 of 4 stars). 6 submissions from 6 submitters: Likely benign (4). 2 of the submissions do not count toward it. Last evaluated 2026-02-02.

Conditions:
Hereditary spastic paraplegia 30. Identifiers: Orphanet 101010, MedGen C5235139, MONDO:0012476.
Neuropathy, hereditary sensory, type 2C. Also called: Hereditary sensory and autonomic neuropathy type IIC; KIF1A-Related HSAN2 (HSAN2C). Identifiers: Orphanet 970, MedGen C3280168, MONDO:0013634, OMIM 614213.
Intellectual disability, autosomal dominant 9 (NESCAVS). Also called: NESCAV SYNDROME; KIF1A-Related Neurodevelopmental Disorder. Identifiers: Orphanet 662367, MedGen C5393830, MONDO:0013656, OMIM 614255.

Allele frequency attached by ClinVar (database versions not stated): TOPMed 0.00051; ESP Exome Variant Server 0.00056; gnomAD exomes 0.00062; gnomAD 0.00079 and 0.00083; ExAC 0.00099.
gnomAD v4.1: 987 of 1,567,010 alleles (0.063%); highest among the groups gnomAD compares: Non-Finnish European, 0.073%; 3 homozygotes.

Submissions (6):

Labcorp Genetics (formerly Invitae), Labcorp
Classification: Likely benign for Hereditary spastic paraplegia 30; Neuropathy, hereditary sensory, type 2C; Intellectual disability, autosomal dominant 9. Last evaluated: 2026-02-02. Review status: criteria provided, single submitter. Criteria: Invitae Variant Classification Sherloc (09022015). Collection method: clinical testing. Allele origin: germline.

Blueprint Genetics
Classification: Likely benign. Last evaluated: 2024-11-26. Review status: criteria provided, single submitter. Criteria: ACMG Guidelines, 2015. Collection method: clinical testing. Allele origin: germline.

ARUP Laboratories, Molecular Genetics and Genomics, ARUP Laboratories
Classification: Likely benign. Last evaluated: 2020-08-05. Review status: criteria provided, single submitter. Criteria: ARUP Molecular Germline Variant Investigation Process. Collection method: clinical testing. Allele origin: germline.

GeneDx
Classification: Likely benign. Last evaluated: 2017-03-24. Review status: criteria provided, single submitter. Criteria: GeneDx Variant Classification (06012015). Collection method: clinical testing. Allele origin: germline. Affected: yes.
Comment: This variant is considered likely benign or benign based on one or more of the following criteria: it is a conservative change, it occurs at a poorly conserved position in the protein, it is predicted to be benign by multiple in silico algorithms, and/or has population frequency not consistent with disease.

Clinical Genetics, Academic Medical Center
Classification: Likely benign. Review status: no assertion criteria provided. Collection method: clinical testing. Allele origin: germline. Affected: yes. Study: VKGL Data-share Consensus. Not counted in ClinVar's aggregate classification.

Genome Diagnostics Laboratory, University Medical Center Utrecht
Classification: Likely benign. Review status: no assertion criteria provided. Collection method: clinical testing. Allele origin: germline. Affected: yes. Study: VKGL Data-share Consensus. Not counted in ClinVar's aggregate classification.